The following is an entry in ClinVar:

NM_014989.7(RIMS1):c.110T>C (p.Met37Thr)

Gene: RIMS1 (regulating synaptic membrane exocytosis 1; plus strand). Cytogenetic location: 6q13.
Variant type: single nucleotide variant.
Coding change: c.110T>C on transcript NM_014989.7 (MANE Select); coding-DNA position 110, T replaced by C.
Protein change: p.Met37Thr; replaces methionine 37 with threonine.
Molecular consequence: missense variant.
Genome position (GRCh38, 1-based): chr6:71,887,133, T>C. VCF-style: chr6-71887133-T-C. GRCh37 (hg19) VCF-style: chr6-72596836-T-C.
Other names: c.110T>C (NM_014989.4); c.110T>C, p.Met37Thr (NM_001350411.1, NM_001350412.1, NM_001350413.1); short protein forms M37T.
Identifiers: ClinVar variation 1470357 (VCV001470357.7), dbSNP rs762678879, ClinGen allele CA3885382.
Genomic context (GRCh38, chr6:71,887,133, plus strand): 5'-CCCCCATGCAAGAGCTGCCCGACCTGAGCCACCTGACCGAAGAGGAGAGGAACATTATCA[T>C]GGCAGTGATGGACCGGCAGAAGGAAGAGGAGGAAAAAGAAGAAGCCATGCTCAAGTAAGC-3'
Protein context (NP_055804.2, residues 27-47): HLTEEERNII[Met37Thr]AVMDRQKEEE

ClinVar aggregate classification (germline): Uncertain significance. Review status: criteria provided, multiple submitters, no conflicts (2 of 4 stars). 2 submissions from 2 submitters: Uncertain significance (2). Last evaluated 2025-11-26.

Allele frequency attached by ClinVar (database versions not stated): gnomAD 0.00001; gnomAD exomes 0.00001 and 0.00003; ExAC 0.00002.
gnomAD v4.1: 39 of 1,613,208 alleles (0.0024%); highest among the groups gnomAD compares: Non-Finnish European, 0.0031%; no homozygotes.

Submissions (2):

Ambry Genetics
Classification: Uncertain significance. Last evaluated: 2025-11-26. Review status: criteria provided, single submitter. Criteria: Ambry Variant Classification Scheme 2023. Collection method: clinical testing. Allele origin: germline.

Labcorp Genetics (formerly Invitae), Labcorp
Classification: Uncertain significance. Last evaluated: 2022-06-23. Review status: criteria provided, single submitter. Criteria: Invitae Variant Classification Sherloc (09022015). Collection method: clinical testing. Allele origin: germline.
Comment: This variant has not been reported in the literature in individuals affected with RIMS1-related conditions. This variant is present in population databases (rs762678879, gnomAD 0.003%). This sequence change replaces methionine, which is neutral and non-polar, with threonine, which is neutral and polar, at codon 37 of the RIMS1 protein (p.Met37Thr). In summary, the available evidence is currently insufficient to determine the role of this variant in disease. Therefore, it has been classified as a Variant of Uncertain Significance. Algorithms developed to predict the effect of missense changes on protein structure and function are either unavailable or do not agree on the potential impact of this missense change (SIFT: "Deleterious"; PolyPhen-2: "Benign"; Align-GVGD: "Class C0").